The following is an entry in ClinVar:

NM_000093.5(COL5A1):c.1389+2T>C

Gene: COL5A1 (collagen type V alpha 1 chain; plus strand). Cytogenetic location: 9q34.3.
Variant type: single nucleotide variant.
Coding change: c.1389+2T>C on transcript NM_000093.5 (MANE Select); the canonical splice donor site of the intron after coding-DNA position 1389, T replaced by C.
Molecular consequence: splice donor variant.
Genome position (GRCh38, 1-based): chr9:134,732,129, T>C. VCF-style: chr9-134732129-T-C. GRCh37 (hg19) VCF-style: chr9-137623975-T-C.
Other names: c.1389+2T>C (NM_001278074.1).
Identifiers: ClinVar variation 1704935 (VCV001704935.2), dbSNP rs2490510639, ClinGen allele CA375451601.

ClinVar aggregate classification (germline): Likely pathogenic (1 of 4 stars; one submission).

Submission:

GeneDx
Classification: Likely pathogenic. Last evaluated: 2022-03-10. Review status: criteria provided, single submitter. Criteria: GeneDx Variant Classification Process June 2021. Collection method: clinical testing. Allele origin: germline. Affected: yes.
Comment: Has been reported in an individual with classic Ehlers-Danlos syndrome (Colman et al., 2021); Not observed at significant frequency in large population cohorts (gnomAD); Canonical splice site variant expected to result in aberrant splicing, although in the absence of functional evidence the actual effect of this sequence change is unknown; This variant is associated with the following publications: (PMID: 34265140)